The following is an entry in ClinVar:

NM_002495.4(NDUFS4):c.320G>A (p.Trp107Ter)

Gene: NDUFS4 (NADH:ubiquinone oxidoreductase subunit S4; plus strand). Cytogenetic location: 5q11.2.
Variant type: single nucleotide variant.
Coding change: c.320G>A on transcript NM_002495.4 (MANE Select); coding-DNA position 320, G replaced by A.
Protein change: p.Trp107Ter; replaces tryptophan 107 with a stop codon.
Molecular consequence: nonsense. On other transcripts: non-coding transcript variant (3).
Genome position (GRCh38, 1-based): chr5:53,646,375, G>A. VCF-style: chr5-53646375-G-A. GRCh37 (hg19) VCF-style: chr5-52942205-G-A.
Other names: c.320G>A, p.Trp107Ter (NM_001318051.2); short protein forms W107*.
Identifiers: ClinVar variation 2847065 (VCV002847065.3), dbSNP rs2478787355, ClinGen allele CA359719847.

ClinVar aggregate classification (germline): Pathogenic (1 of 4 stars; one submission).

Submission:

Labcorp Genetics (formerly Invitae), Labcorp
Classification: Pathogenic. Last evaluated: 2023-08-09. Review status: criteria provided, single submitter. Criteria: Invitae Variant Classification Sherloc (09022015). Collection method: clinical testing. Allele origin: germline.
Comment: This sequence change creates a premature translational stop signal (p.Trp107*) in the NDUFS4 gene. It is expected to result in an absent or disrupted protein product. Loss-of-function variants in NDUFS4 are known to be pathogenic (PMID: 10944442, 16213125). This variant is not present in population databases (gnomAD no frequency). This variant has not been reported in the literature in individuals affected with NDUFS4-related conditions. For these reasons, this variant has been classified as Pathogenic.

Literature cited by the submitters: PubMed 10944442; PubMed 16213125.